The following is an entry in ClinVar:

ClinVar aggregate classification (germline): Uncertain significance. Review status: criteria provided, multiple submitters, no conflicts (2 of 4 stars). 2 submissions from 2 submitters: Uncertain significance (2). Last evaluated 2025-09-16.

gnomAD v4.1: 14 of 1,210,120 alleles (0.0012%); highest among the groups gnomAD compares: Admixed American, 0.0087%; no homozygotes.

Submissions (2):

Labcorp Genetics (formerly Invitae), Labcorp
Classification: Uncertain significance. Last evaluated: 2025-09-16. Review status: criteria provided, single submitter. Criteria: Invitae Variant Classification Sherloc (09022015). Collection method: clinical testing. Allele origin: germline.
Comment: This sequence change replaces proline, which is neutral and non-polar, with threonine, which is neutral and polar, at codon 73 of the DRP2 protein (p.Pro73Thr). This variant is present in population databases (no rsID available, gnomAD 0.008%). This variant has not been reported in the literature in individuals affected with DRP2-related conditions. ClinVar contains an entry for this variant (Variation ID: 1406151). Invitae Evidence Modeling of protein sequence and biophysical properties (such as structural, functional, and spatial information, amino acid conservation, physicochemical variation, residue mobility, and thermodynamic stability) indicates that this missense variant is not expected to disrupt DRP2 protein function with a negative predictive value of 80%. In summary, the available evidence is currently insufficient to determine the role of this variant in disease. Therefore, it has been classified as a Variant of Uncertain Significance.

Ambry Genetics
Classification: Uncertain significance. Last evaluated: 2023-12-21. Review status: criteria provided, single submitter. Criteria: Ambry Variant Classification Scheme 2023. Collection method: clinical testing. Allele origin: germline.

NM_001939.3(DRP2):c.217C>A (p.Pro73Thr)

Gene: DRP2 (dystrophin related protein 2; plus strand). Cytogenetic location: Xq22.1.
Variant type: single nucleotide variant.
Coding change: c.217C>A on transcript NM_001939.3 (MANE Select); coding-DNA position 217, C replaced by A.
Protein change: p.Pro73Thr; replaces proline 73 with threonine.
Molecular consequence: missense variant. On other transcripts: 5 prime UTR variant (1).
Genome position (GRCh38, 1-based): chrX:101,235,959, C>A. VCF-style: chrX-101235959-C-A. GRCh37 (hg19) VCF-style: chrX-100490948-C-A.
Other names: c.-18C>A (NM_001171184.2); c.217C>A (NM_001939.2); short protein forms P73T.
Identifiers: ClinVar variation 1406151 (VCV001406151.7), dbSNP rs939937424, ClinGen allele CA413910799.